The following is an entry in ClinVar:

NM_001195.5(BFSP1):c.1406G>A (p.Arg469Gln)

Gene: BFSP1 (beaded filament structural protein 1; minus strand). Cytogenetic location: 20p12.1.
Variant type: single nucleotide variant.
Coding change: c.1406G>A on transcript NM_001195.5 (MANE Select); coding-DNA position 1406, G replaced by A.
Protein change: p.Arg469Gln; replaces arginine 469 with glutamine.
Molecular consequence: missense variant.
Genome position (GRCh38, 1-based): chr20:17,494,666, C>T on the plus strand (G>A on the coding strand, the complement: BFSP1 is on the minus strand). VCF-style: chr20-17494666-C-T. GRCh37 (hg19) VCF-style: chr20-17475311-C-T.
Other names: c.1031G>A, p.Arg344Gln (NM_001161705.2); c.989G>A, p.Arg330Gln (NM_001278606.2, NM_001278608.2); c.1073G>A, p.Arg358Gln (NM_001278607.2); c.1298G>A, p.Arg433Gln (NM_001424338.1); short protein forms R344Q, R433Q, R330Q, R469Q, R358Q.
Identifiers: ClinVar variation 2808257 (VCV002808257.3), dbSNP rs781333440, ClinGen allele CA9772067.

ClinVar aggregate classification (germline): Uncertain significance (1 of 4 stars; one submission).

Conditions:
Cataract 33. Also called: CATARACT 33, CORTICAL. Identifiers: Orphanet 91492, MedGen C3808107, MONDO:0012665, OMIM 611391.

Allele frequency attached by ClinVar (database versions not stated): ExAC 0.00001; gnomAD exomes 0.00001.
gnomAD v4.1: 10 of 1,614,148 alleles (0.00062%); highest among the groups gnomAD compares: East Asian, 0.0022%; no homozygotes.

Submission:

Labcorp Genetics (formerly Invitae), Labcorp
Classification: Uncertain significance for Cataract 33. Last evaluated: 2022-12-04. Review status: criteria provided, single submitter. Criteria: Invitae Variant Classification Sherloc (09022015). Collection method: clinical testing. Allele origin: germline.
Comment: In summary, the available evidence is currently insufficient to determine the role of this variant in disease. Therefore, it has been classified as a Variant of Uncertain Significance. This variant is present in population databases (rs781333440, gnomAD 0.0009%). This sequence change replaces arginine, which is basic and polar, with glutamine, which is neutral and polar, at codon 469 of the BFSP1 protein (p.Arg469Gln). Advanced modeling of protein sequence and biophysical properties (such as structural, functional, and spatial information, amino acid conservation, physicochemical variation, residue mobility, and thermodynamic stability) performed at Invitae indicates that this missense variant is not expected to disrupt BFSP1 protein function. This variant has not been reported in the literature in individuals affected with BFSP1-related conditions.